The following is an entry in ClinVar:

ClinVar aggregate classification (germline): Uncertain significance (1 of 4 stars; one submission).

Conditions:
Hereditary cancer-predisposing syndrome. Also called: Neoplastic Syndromes, Hereditary; Tumor predisposition; Hereditary neoplastic syndrome; Hereditary Cancer Syndrome. Identifiers: Orphanet 140162, MedGen C0027672, MeSH D009386, MONDO:0015356.

gnomAD v4.1: 1 of 1,552,818 alleles (0.000064%); highest among the groups gnomAD compares: South Asian, 0.0012%; no homozygotes.

Submission:

Ambry Genetics
Classification: Uncertain significance for Hereditary cancer-predisposing syndrome. Last evaluated: 2026-07-15. Review status: criteria provided, single submitter. Criteria: Ambry Variant Classification Scheme 2023. Collection method: clinical testing. Allele origin: germline.
Comment: The p.L983V variant (also known as c.2947C>G), located in coding exon 22 of the POLD1 gene, results from a C to G substitution at nucleotide position 2947. The leucine at codon 983 is replaced by valine, an amino acid with highly similar properties. This amino acid position is highly conserved in available vertebrate species. In addition, this alteration is predicted to be tolerated by in silico analysis. Based on the available evidence, the clinical significance of this variant remains unclear.

NM_002691.4(POLD1):c.2947C>G (p.Leu983Val)

Gene: POLD1 (DNA polymerase delta 1, catalytic subunit; plus strand). Cytogenetic location: 19q13.33.
Variant type: single nucleotide variant.
Coding change: c.2947C>G on transcript NM_002691.4 (MANE Select); coding-DNA position 2947, C replaced by G.
Protein change: p.Leu983Val; replaces leucine 983 with valine.
Molecular consequence: missense variant. On other transcripts: non-coding transcript variant (1).
Genome position (GRCh38, 1-based): chr19:50,416,522, C>G. VCF-style: chr19-50416522-C-G. GRCh37 (hg19) VCF-style: chr19-50919779-C-G.
Other names: c.2947C>G, p.Leu983Val (NM_001256849.1, NM_001438212.1, NM_001438213.1); c.3025C>G, p.Leu1009Val (NM_001308632.1); c.2875C>G, p.Leu959Val (NM_001438210.1, NM_001438211.1); short protein forms L959V, L983V, L1009V.
Identifiers: ClinVar variation 5026985 (VCV005026985.1).